The following is an entry in ClinVar:

NM_014991.6(WDFY3):c.4019G>A (p.Arg1340Gln)

Gene: WDFY3 (WD repeat and FYVE domain containing 3; minus strand). Cytogenetic location: 4q21.23.
Variant type: single nucleotide variant.
Coding change: c.4019G>A on transcript NM_014991.6 (MANE Select); coding-DNA position 4019, G replaced by A.
Protein change: p.Arg1340Gln; replaces arginine 1340 with glutamine.
Molecular consequence: missense variant.
Genome position (GRCh38, 1-based): chr4:84,786,022, C>T on the plus strand (G>A on the coding strand, the complement: WDFY3 is on the minus strand). VCF-style: chr4-84786022-C-T. GRCh37 (hg19) VCF-style: chr4-85707175-C-T.
Other names: short protein forms R1340Q.
Identifiers: ClinVar variation 3340859 (VCV003340859.1).

ClinVar aggregate classification (germline): Uncertain significance (1 of 4 stars; one submission).

gnomAD v4.1: 2 of 1,613,868 alleles (0.00012%); highest among the groups gnomAD compares: Non-Finnish European, 0.00017%; no homozygotes.

Submission:

GeneDx
Classification: Uncertain significance. Last evaluated: 2023-12-07. Review status: criteria provided, single submitter. Criteria: GeneDx Variant Classification Process June 2021. Collection method: clinical testing. Allele origin: germline. Affected: yes.
Comment: Not observed at significant frequency in large population cohorts (gnomAD); In silico analysis supports that this missense variant has a deleterious effect on protein structure/function; Has not been previously published as pathogenic or benign to our knowledge